The following is an entry in ClinVar:

NM_172107.4(KCNQ2):c.2321G>T (p.Cys774Phe)

Gene: KCNQ2 (potassium voltage-gated channel subfamily Q member 2; minus strand). Cytogenetic location: 20q13.33.
Variant type: single nucleotide variant.
Coding change: c.2321G>T on transcript NM_172107.4 (MANE Select); coding-DNA position 2321, G replaced by T.
Protein change: p.Cys774Phe; replaces cysteine 774 with phenylalanine.
Molecular consequence: missense variant.
Genome position (GRCh38, 1-based): chr20:63,406,942, C>A on the plus strand (G>T on the coding strand, the complement: KCNQ2 is on the minus strand). VCF-style: chr20-63406942-C-A. GRCh37 (hg19) VCF-style: chr20-62038295-C-A.
Other names: c.2237G>T, p.Cys746Phe (NM_004518.6); c.2267G>T, p.Cys756Phe (NM_172106.3); c.2228G>T, p.Cys743Phe (NM_172108.5); short protein forms C774F, C743F, C746F, C756F.
Identifiers: ClinVar variation 426357 (VCV000426357.2), dbSNP rs762596565, ClinGen allele CA409637781.

ClinVar aggregate classification (germline): Uncertain significance (1 of 4 stars; one submission).

Submission:

GeneDx
Classification: Uncertain significance. Last evaluated: 2017-04-19. Review status: criteria provided, single submitter. Criteria: GeneDx Variant Classification (06012015). Collection method: clinical testing. Allele origin: germline. Affected: yes.
Comment: A variant of uncertain significance has been identified in the KCNQ2 gene. The C774F variant has not been published as a pathogenic variant, nor has it been reported as a benign variant to our knowledge. The C774F variant is not observed in large population cohorts (Lek et al., 2016; 1000 Genomes Consortium et al., 2015; Exome Variant Server). The C774F variant is a non-conservative amino acid substitution, which is likely to impact secondary protein structure as these residues differ in polarity, charge, size and/or other properties. However, this substitution occurs at a position that is not conserved. In silico analysis is inconsistent in its predictions as to whether or not the variant is damaging to the protein structure/function. Therefore, based on the currently available information, it is unclear whether this variant is a pathogenic variant or a rare benign variant.